The following is an entry in ClinVar:

ClinVar aggregate classification (germline): Uncertain significance (1 of 4 stars; one submission).

gnomAD v4.1: 20 of 1,606,978 alleles (0.0012%); highest among the groups gnomAD compares: South Asian, 0.021%; no homozygotes.

Submission:

Labcorp Genetics (formerly Invitae), Labcorp
Classification: Uncertain significance. Last evaluated: 2024-11-30. Review status: criteria provided, single submitter. Criteria: Invitae Variant Classification Sherloc (09022015). Collection method: clinical testing. Allele origin: germline.
Comment: This sequence change replaces serine, which is neutral and polar, with asparagine, which is neutral and polar, at codon 122 of the CEP97 protein (p.Ser122Asn). This variant is present in population databases (rs780037314, gnomAD 0.02%). This variant has not been reported in the literature in individuals affected with CEP97-related conditions. Invitae Evidence Modeling of protein sequence and biophysical properties (such as structural, functional, and spatial information, amino acid conservation, physicochemical variation, residue mobility, and thermodynamic stability) indicates that this missense variant is not expected to disrupt CEP97 protein function with a negative predictive value of 80%. In summary, the available evidence is currently insufficient to determine the role of this variant in disease. Therefore, it has been classified as a Variant of Uncertain Significance.

NM_024548.4(CEP97):c.365G>A (p.Ser122Asn)

Gene: CEP97 (centrosomal protein 97; plus strand). Cytogenetic location: 3q12.3.
Variant type: single nucleotide variant.
Coding change: c.365G>A on transcript NM_024548.4 (MANE Select); coding-DNA position 365, G replaced by A.
Protein change: p.Ser122Asn; replaces serine 122 with asparagine.
Molecular consequence: missense variant. On other transcripts: intron variant (2).
Genome position (GRCh38, 1-based): chr3:101,728,855, G>A. VCF-style: chr3-101728855-G-A. GRCh37 (hg19) VCF-style: chr3-101447699-G-A.
Other names: c.365G>A, p.Ser122Asn (NM_001303401.2); c.345+1314G>A (NM_001410784.1, NM_001410785.1); short protein forms S122N.
Identifiers: ClinVar variation 3623023 (VCV003623023.2).